The following is an entry in ClinVar:

NM_001127222.2(CACNA1A):c.6462_6494del (p.Arg2155_Arg2165del)

Gene: CACNA1A (calcium voltage-gated channel subunit alpha1 A; minus strand). Cytogenetic location: 19p13.13.
Variant type: Deletion.
Coding change: c.6462_6494del on transcript NM_001127222.2 (MANE Select); coding-DNA positions 6462 to 6494, 33 bases deleted.
Protein change: p.Arg2155_Arg2165del.
Molecular consequence: inframe deletion. On other transcripts: inframe indel (1).
Genome position (GRCh38, 1-based): chr19:13,209,344-13,209,376, 33 bases deleted; deleting any 33 consecutive bases within chr19:13,209,344-13,209,380 gives the same sequence; the c. name uses the placement nearest the transcript's 3' end. GRCh37 (hg19): chr19:13,320,162-13,320,194.
Other names: c.6480_6512del, p.Arg2161_Arg2171del (NM_000068.4, NM_023035.3); c.6461_6493del33, p.Arg2156_Arg2166del (NM_001127221.1); c.6465_6497del, p.Arg2156_Arg2166del (NM_001127221.2); c.6471_6503del, p.Arg2158_Arg2168del (NM_001174080.2); c.6465_6497del (NM_001127221.1).
Identifiers: ClinVar variation 2034837 (VCV002034837.5), dbSNP rs2512520073, ClinGen allele CA2580096605.

ClinVar aggregate classification (germline): Uncertain significance. Review status: criteria provided, multiple submitters, no conflicts (2 of 4 stars). 2 submissions from 2 submitters: Uncertain significance (2). Last evaluated 2024-09-06.

Conditions:
Episodic ataxia type 2 (EA2). Also called: ATAXIA, EPISODIC, WITH NYSTAGMUS; ATAXIA, FAMILIAL PAROXYSMAL; CEREBELLAR ATAXIA, PAROXYSMAL, ACETAZOLAMIDE-RESPONSIVE; CEREBELLOPATHY, HEREDITARY PAROXYSMAL; ACETAZOLAMIDE-RESPONSIVE HEREDITARY PAROXYSMAL CEREBELLAR ATAXIA; EPISODIC ATAXIA, NYSTAGMUS-ASSOCIATED. Identifiers: Orphanet 97, MedGen C1720416, MONDO:0007163, OMIM 108500.
Developmental and epileptic encephalopathy, 42 (DEE42A). Also called: Epileptic encephalopathy, early infantile, 42; DEVELOPMENTAL AND EPILEPTIC ENCEPHALOPATHY 42A; EPILEPTIC ENCEPHALOPATHY, EARLY INFANTILE, 42A. Identifiers: MedGen C4310716, MONDO:0014917, OMIM 617106.

Submissions (2):

GeneDx
Classification: Uncertain significance. Last evaluated: 2024-09-06. Review status: criteria provided, single submitter. Criteria: GeneDx Variant Classification Process June 2021. Collection method: clinical testing. Allele origin: germline. Affected: yes.
Comment: Not observed at significant frequency in large population cohorts (gnomAD); In-frame deletion of 11 of amino acids in a non-repeat region; In silico analysis supports a deleterious effect on protein structure/function; Has not been previously published as pathogenic or benign to our knowledge

Labcorp Genetics (formerly Invitae), Labcorp
Classification: Uncertain significance for Developmental and epileptic encephalopathy, 42; Episodic ataxia type 2. Last evaluated: 2022-11-07. Review status: criteria provided, single submitter. Criteria: Invitae Variant Classification Sherloc (09022015). Collection method: clinical testing. Allele origin: germline.
Comment: In summary, the available evidence is currently insufficient to determine the role of this variant in disease. Therefore, it has been classified as a Variant of Uncertain Significance. Experimental studies and prediction algorithms are not available or were not evaluated, and the functional significance of this variant is currently unknown. This variant has not been reported in the literature in individuals affected with CACNA1A-related conditions. This variant is not present in population databases (gnomAD no frequency). This variant, c.6465_6497del, results in the deletion of 11 amino acid(s) of the CACNA1A protein (p.Arg2156_Arg2166del), but otherwise preserves the integrity of the reading frame.